The following is an entry in ClinVar:

NM_001378452.1(ITPR1):c.1512A>T (p.Arg504Ser)

Gene: ITPR1 (inositol 1,4,5-trisphosphate receptor type 1; plus strand). Cytogenetic location: 3p26.1.
Variant type: single nucleotide variant.
Coding change: c.1512A>T on transcript NM_001378452.1 (MANE Select); coding-DNA position 1512, A replaced by T.
Protein change: p.Arg504Ser; replaces arginine 504 with serine.
Molecular consequence: missense variant.
Genome position (GRCh38, 1-based): chr3:4,663,164, A>T. VCF-style: chr3-4663164-A-T. GRCh37 (hg19) VCF-style: chr3-4704848-A-T.
Other names: c.1512A>T, p.Arg504Ser (NM_001099952.4); c.1467A>T, p.Arg489Ser (NM_001168272.2, NM_002222.7); short protein forms R489S, R504S.
Identifiers: ClinVar variation 1994542 (VCV001994542.4), dbSNP rs2470706337, ClinGen allele CA351641456.
Genomic context (GRCh38, chr3:4,663,164, plus strand): 5'-CACTGGTGGAACTAATTCTGGTCAAGATGTTCTCGAAGTTGTCTTCTCCAAGCCCAACAG[A>T]GAACGGCAGAAACTGATGAGAGAACAGAATATTCTCAAGCAGGTCGGTGAGATGTGGCGT-3'
Protein context (NP_001365381.1, residues 494-514): VLEVVFSKPN[Arg504Ser]ERQKLMREQN

ClinVar aggregate classification (germline): Uncertain significance (1 of 4 stars; one submission).

Submission:

Labcorp Genetics (formerly Invitae), Labcorp
Classification: Uncertain significance. Last evaluated: 2022-05-15. Review status: criteria provided, single submitter. Criteria: Invitae Variant Classification Sherloc (09022015). Collection method: clinical testing. Allele origin: germline.
Comment: This variant is not present in population databases (gnomAD no frequency). This sequence change replaces arginine, which is basic and polar, with serine, which is neutral and polar, at codon 489 of the ITPR1 protein (p.Arg489Ser). This variant has not been reported in the literature in individuals affected with ITPR1-related conditions. In summary, the available evidence is currently insufficient to determine the role of this variant in disease. Therefore, it has been classified as a Variant of Uncertain Significance. Algorithms developed to predict the effect of missense changes on protein structure and function are either unavailable or do not agree on the potential impact of this missense change (SIFT: "Deleterious"; PolyPhen-2: "Probably Damaging"; Align-GVGD: "Class C0").